The following is an entry in ClinVar:

ClinVar aggregate classification (germline): Uncertain significance (1 of 4 stars; one submission).

Conditions:
Neurofibromatosis, type 1 (NF1). Also called: Peripheral type neurofibromatosis; VON RECKLINGHAUSEN DISEASE; Neurofibromatosis, type I; NEUROFIBROMATOSIS, TYPE I, SOMATIC. Identifiers: Orphanet 636, MedGen C0027831, MONDO:0018975, OMIM 162200. Disease mechanism: loss of function.

gnomAD v4.1: 1 of 1,611,756 alleles (0.000062%); highest among the groups gnomAD compares: South Asian, 0.0011%; no homozygotes.

Submission:

Labcorp Genetics (formerly Invitae), Labcorp
Classification: Uncertain significance for Neurofibromatosis, type 1. Last evaluated: 2019-09-12. Review status: criteria provided, single submitter. Criteria: Invitae Variant Classification Sherloc (09022015). Collection method: clinical testing. Allele origin: germline.
Comment: Nucleotide substitutions within the consensus splice site are a relatively common cause of aberrant splicing (PMID: 17576681, 9536098). Algorithms developed to predict the effect of sequence changes on RNA splicing suggest that this variant is not likely to affect RNA splicing, but this prediction has not been confirmed by published transcriptional studies. This variant has not been reported in the literature in individuals with NF1-related conditions. This variant is not present in population databases (ExAC no frequency). This sequence change falls in intron 8 of the NF1 gene. It does not directly change the encoded amino acid sequence of the NF1 protein, but it affects a nucleotide within the consensus splice site of the intron. In summary, the available evidence is currently insufficient to determine the role of this variant in disease. Therefore, it has been classified as a Variant of Uncertain Significance.

Literature cited by the submitters: PubMed 17576681; PubMed 9536098.

NM_001042492.3(NF1):c.888+6G>A

Gene: NF1 (neurofibromin 1; plus strand). Cytogenetic location: 17q11.2.
Variant type: single nucleotide variant.
Coding change: c.888+6G>A on transcript NM_001042492.3 (MANE Select); 6 bases into the intron after coding-DNA position 888, G replaced by A.
Molecular consequence: intron variant.
Genome position (GRCh38, 1-based): chr17:31,182,671, G>A. VCF-style: chr17-31182671-G-A. GRCh37 (hg19) VCF-style: chr17-29509689-G-A.
Other names: c.888+6G>A (NM_000267.4, NM_001128147.3).
Identifiers: ClinVar variation 935291 (VCV000935291.6), dbSNP rs1555609000, ClinGen allele CA1139665365.
Genomic context (GRCh38, chr17:31,182,671, plus strand): 5'-AGAAATAATCCAGGATATATCCAAAGACGTGGTTGATGAAAACAACATGAATAAGGTAAG[G>A]AGGGCAAAATTATTTCCATTATATCTAGATGTGAAGCAGTTTATTTTACTCAAGGTGTGT-3'